The following is an entry in ClinVar:

NM_003764.4(STX11):c.277A>G (p.Ile93Val)

Gene: STX11 (syntaxin 11; plus strand). Cytogenetic location: 6q24.2.
Variant type: single nucleotide variant.
Coding change: c.277A>G on transcript NM_003764.4 (MANE Select); coding-DNA position 277, A replaced by G.
Protein change: p.Ile93Val; replaces isoleucine 93 with valine.
Molecular consequence: missense variant.
Genome position (GRCh38, 1-based): chr6:144,186,904, A>G. VCF-style: chr6-144186904-A-G. GRCh37 (hg19) VCF-style: chr6-144508041-A-G.
Other names: short protein forms I93V.
Identifiers: ClinVar variation 836507 (VCV000836507.8), dbSNP rs979857096, ClinGen allele CA149823930.

ClinVar aggregate classification (germline): Uncertain significance. Review status: criteria provided, multiple submitters, no conflicts (2 of 4 stars). 2 submissions from 2 submitters: Uncertain significance (2). Last evaluated 2023-11-14.

Conditions:
Familial hemophagocytic lymphohistiocytosis 4 (FHL4). Also called: STX11-Related Familial Hemophagocytic Lymphohistiocytosis (STX11-fHLH). Identifiers: Orphanet 540, MedGen C1863728, MONDO:0011336, OMIM 603552.

Allele frequency attached by ClinVar (database versions not stated): gnomAD exomes 0.00001 and 0.00002; TOPMed 0.00002; gnomAD 0.00003 and 0.00004.
gnomAD v4.1: 31 of 1,611,424 alleles (0.0019%); highest among the groups gnomAD compares: Non-Finnish European, 0.0025%; no homozygotes.

Submissions (2):

Blueprint Genetics
Classification: Uncertain significance. Last evaluated: 2023-11-14. Review status: criteria provided, single submitter. Criteria: ACMG Guidelines, 2015. Collection method: clinical testing. Allele origin: germline.

Labcorp Genetics (formerly Invitae), Labcorp
Classification: Uncertain significance for Familial hemophagocytic lymphohistiocytosis 4. Last evaluated: 2022-11-01. Review status: criteria provided, single submitter. Criteria: Invitae Variant Classification Sherloc (09022015). Collection method: clinical testing. Allele origin: germline.
Comment: This sequence change replaces isoleucine, which is neutral and non-polar, with valine, which is neutral and non-polar, at codon 93 of the STX11 protein (p.Ile93Val). This variant is present in population databases (no rsID available, gnomAD 0.005%). This variant has not been reported in the literature in individuals affected with STX11-related conditions. ClinVar contains an entry for this variant (Variation ID: 836507). Advanced modeling of protein sequence and biophysical properties (such as structural, functional, and spatial information, amino acid conservation, physicochemical variation, residue mobility, and thermodynamic stability) performed at Invitae indicates that this missense variant is not expected to disrupt STX11 protein function. In summary, the available evidence is currently insufficient to determine the role of this variant in disease. Therefore, it has been classified as a Variant of Uncertain Significance.